The following is an entry in ClinVar:

NM_001378477.3(NYX):c.1253C>T (p.Pro418Leu)

Gene: NYX (nyctalopin; plus strand). Cytogenetic location: Xp11.4.
Variant type: single nucleotide variant.
Coding change: c.1253C>T on transcript NM_001378477.3 (MANE Select); coding-DNA position 1253, C replaced by T.
Protein change: p.Pro418Leu; replaces proline 418 with leucine.
Molecular consequence: missense variant.
Genome position (GRCh38, 1-based): chrX:41,474,721, C>T. VCF-style: chrX-41474721-C-T. GRCh37 (hg19) VCF-style: chrX-41333974-C-T.
Other names: c.1253C>T, p.Pro418Leu (NM_022567.3); short protein forms P418L.
Identifiers: ClinVar variation 2037950 (VCV002037950.4), dbSNP rs2064383205, ClinGen allele CA412993360.

ClinVar aggregate classification (germline): Uncertain significance (1 of 4 stars; one submission).

gnomAD v4.1: 1 of 1,196,325 alleles (0.000084%); no homozygotes.

Submission:

Labcorp Genetics (formerly Invitae), Labcorp
Classification: Uncertain significance. Last evaluated: 2022-10-14. Review status: criteria provided, single submitter. Criteria: Invitae Variant Classification Sherloc (09022015). Collection method: clinical testing. Allele origin: germline.
Comment: This sequence change replaces proline, which is neutral and non-polar, with leucine, which is neutral and non-polar, at codon 423 of the NYX protein (p.Pro423Leu). This variant is not present in population databases (gnomAD no frequency). This variant has not been reported in the literature in individuals affected with NYX-related conditions. Algorithms developed to predict the effect of missense changes on protein structure and function are either unavailable or do not agree on the potential impact of this missense change (SIFT: "Tolerated"; PolyPhen-2: "Possibly Damaging"; Align-GVGD: "Class C0"). In summary, the available evidence is currently insufficient to determine the role of this variant in disease. Therefore, it has been classified as a Variant of Uncertain Significance.